The following is an entry in ClinVar:

ClinVar aggregate classification (germline): Uncertain significance (1 of 4 stars; one submission).

Conditions:
Cardiomyopathy (CMYO). Also called: Cardiomyopathies. Identifiers: Orphanet 167848, MedGen C0878544, MONDO:0004994, HP:0001638. Inheritance: Various modes of inheritance.

Allele frequency attached by ClinVar (database versions not stated): gnomAD exomes below 0.00001.
gnomAD v4.1: 3 of 1,613,690 alleles (0.00019%); highest among the groups gnomAD compares: Non-Finnish European, 0.00025%; no homozygotes.

Submission:

Color Diagnostics, LLC DBA Color Health
Classification: Uncertain significance for Cardiomyopathy. Last evaluated: 2024-03-06. Review status: criteria provided, single submitter. Criteria: ACMG Guidelines, 2015. Collection method: clinical testing. Allele origin: germline.
Comment: This missense variant replaces serine with phenylalanine at codon 3224 of the RYR2 protein. Computational prediction tool is inconclusive regarding the impact of this variant on protein structure and function (internally defined REVEL score threshold 0.5 < inconclusive < 0.7, PMID: 27666373). Splice site prediction tools suggest that this variant may not impact RNA splicing. To our knowledge, functional studies have not been performed for this variant. This variant has not been reported in individuals affected with cardiovascular disorders in the literature. This variant has not been identified in the general population by the Genome Aggregation Database (gnomAD). The available evidence is insufficient to determine the role of this variant in disease conclusively. Therefore, this variant is classified as a Variant of Uncertain Significance.

NM_001035.3(RYR2):c.9671C>T (p.Ser3224Phe)

Gene: RYR2 (ryanodine receptor 2; plus strand). Cytogenetic location: 1q43.
Variant type: single nucleotide variant.
Coding change: c.9671C>T on transcript NM_001035.3 (MANE Select); coding-DNA position 9671, C replaced by T.
Protein change: p.Ser3224Phe; replaces serine 3224 with phenylalanine.
Molecular consequence: missense variant.
Genome position (GRCh38, 1-based): chr1:237,707,039, C>T. VCF-style: chr1-237707039-C-T. GRCh37 (hg19) VCF-style: chr1-237870339-C-T.
Other names: short protein forms S3224F.
Identifiers: ClinVar variation 921698 (VCV000921698.4), dbSNP rs1688439810, ClinGen allele CA345408534.